The following is an entry in ClinVar:

ClinVar aggregate classification (germline): Uncertain significance (1 of 4 stars; one submission).

Allele frequency attached by ClinVar (database versions not stated): gnomAD exomes below 0.00001; ExAC 0.00001.
gnomAD v4.1: 6 of 1,614,182 alleles (0.00037%); highest among the groups gnomAD compares: Non-Finnish European, 0.00051%; no homozygotes.

Submission:

Labcorp Genetics (formerly Invitae), Labcorp
Classification: Uncertain significance. Last evaluated: 2023-08-29. Review status: criteria provided, single submitter. Criteria: Invitae Variant Classification Sherloc (09022015). Collection method: clinical testing. Allele origin: germline.
Comment: In summary, the available evidence is currently insufficient to determine the role of this variant in disease. Therefore, it has been classified as a Variant of Uncertain Significance. Advanced modeling of protein sequence and biophysical properties (such as structural, functional, and spatial information, amino acid conservation, physicochemical variation, residue mobility, and thermodynamic stability) performed at Invitae indicates that this missense variant is expected to disrupt ATP6V1A protein function. This variant has not been reported in the literature in individuals affected with ATP6V1A-related conditions. This variant is present in population databases (rs199687122, gnomAD 0.0009%). This sequence change replaces phenylalanine, which is neutral and non-polar, with serine, which is neutral and polar, at codon 99 of the ATP6V1A protein (p.Phe99Ser).

NM_001690.4(ATP6V1A):c.296T>C (p.Phe99Ser)

Gene: ATP6V1A (ATPase H+ transporting V1 subunit A; plus strand). Cytogenetic location: 3q13.31.
Variant type: single nucleotide variant.
Coding change: c.296T>C on transcript NM_001690.4 (MANE Select); coding-DNA position 296, T replaced by C.
Protein change: p.Phe99Ser; replaces phenylalanine 99 with serine.
Molecular consequence: missense variant.
Genome position (GRCh38, 1-based): chr3:113,784,308, T>C. VCF-style: chr3-113784308-T-C. GRCh37 (hg19) VCF-style: chr3-113503155-T-C.
Other names: short protein forms F99S.
Identifiers: ClinVar variation 2873567 (VCV002873567.3), dbSNP rs199687122, ClinGen allele CA2547803.